The following is an entry in ClinVar:

ClinVar aggregate classification (germline): Uncertain significance (1 of 4 stars; one submission).

Conditions:
Hereditary insensitivity to pain with anhidrosis (CIPA). Also called: INSENSITIVITY TO PAIN, CONGENITAL, WITH ANHIDROSIS; HSAN Type IV; NTRK1 Congenital Insensitivity to Pain with Anhidrosis; FAMILIAL DYSAUTONOMIA, TYPE II; hereditary sensory and autonomic neuropathy type 4; NEUROPATHY, CONGENITAL SENSORY, WITH ANHIDROSIS. Identifiers: Orphanet 642, MedGen C0020074, MONDO:0009746, OMIM 256800.

Allele frequency attached by ClinVar (database versions not stated): TOPMed below 0.00001.

Submission:

Labcorp Genetics (formerly Invitae), Labcorp
Classification: Uncertain significance for Hereditary insensitivity to pain with anhidrosis. Last evaluated: 2021-08-28. Review status: criteria provided, single submitter. Criteria: Invitae Variant Classification Sherloc (09022015). Collection method: clinical testing. Allele origin: germline.
Comment: This sequence change replaces proline with arginine at codon 115 of the NTRK1 protein (p.Pro115Arg). The proline residue is moderately conserved and there is a moderate physicochemical difference between proline and arginine. This variant is not present in population databases (ExAC no frequency). This variant has not been reported in the literature in individuals affected with NTRK1-related conditions. Algorithms developed to predict the effect of missense changes on protein structure and function are either unavailable or do not agree on the potential impact of this missense change (SIFT: "Tolerated"; PolyPhen-2: "Probably Damaging"; Align-GVGD: "Class C0"). In summary, the available evidence is currently insufficient to determine the role of this variant in disease. Therefore, it has been classified as a Variant of Uncertain Significance.

NM_002529.4(NTRK1):c.344C>G (p.Pro115Arg)

Gene: NTRK1 (neurotrophic receptor tyrosine kinase 1; plus strand). Cytogenetic location: 1q23.1.
Variant type: single nucleotide variant.
Coding change: c.344C>G on transcript NM_002529.4 (MANE Select); coding-DNA position 344, C replaced by G.
Protein change: p.Pro115Arg; replaces proline 115 with arginine.
Molecular consequence: missense variant.
Genome position (GRCh38, 1-based): chr1:156,864,784, C>G. VCF-style: chr1-156864784-C-G. GRCh37 (hg19) VCF-style: chr1-156834576-C-G.
Other names: c.344C>G, p.Pro115Arg (NM_001012331.2); c.254C>G, p.Pro85Arg (NM_001007792.1); short protein forms P85R, P115R.
Identifiers: ClinVar variation 641390 (VCV000641390.6), dbSNP rs1571685698, ClinGen allele CA342932787.